The following is an entry in ClinVar:

NM_001364171.2(ODAD1):c.658G>A (p.Ala220Thr)

Gene: ODAD1 (outer dynein arm docking complex subunit 1; minus strand). Cytogenetic location: 19q13.33.
Variant type: single nucleotide variant.
Coding change: c.658G>A on transcript NM_001364171.2 (MANE Select); coding-DNA position 658, G replaced by A.
Protein change: p.Ala220Thr; replaces alanine 220 with threonine.
Molecular consequence: missense variant.
Genome position (GRCh38, 1-based): chr19:48,306,263, C>T on the plus strand (G>A on the coding strand, the complement: ODAD1 is on the minus strand). VCF-style: chr19-48306263-C-T. GRCh37 (hg19) VCF-style: chr19-48809520-C-T.
Other names: c.547G>A, p.Ala183Thr (NM_144577.4); short protein forms A183T, A220T.
Identifiers: ClinVar variation 525458 (VCV000525458.6), dbSNP rs773209379, ClinGen allele CA9549013.

ClinVar aggregate classification (germline): Uncertain significance (1 of 4 stars; one submission).

Conditions:
Primary ciliary dyskinesia. Also called: Ciliary dyskinesia. Identifiers: Orphanet 244, MedGen C0008780, MONDO:0016575, HP:0012265.

Allele frequency attached by ClinVar (database versions not stated): gnomAD 0.00001; gnomAD exomes 0.00001 and 0.00007; TOPMed 0.00001; ExAC 0.00005.
gnomAD v4.1: 25 of 1,551,394 alleles (0.0016%); highest among the groups gnomAD compares: South Asian, 0.012%; no homozygotes.

Submission:

Labcorp Genetics (formerly Invitae), Labcorp
Classification: Uncertain significance for Primary ciliary dyskinesia. Last evaluated: 2021-08-26. Review status: criteria provided, single submitter. Criteria: Invitae Variant Classification Sherloc (09022015). Collection method: clinical testing. Allele origin: germline.
Comment: This sequence change replaces alanine with threonine at codon 183 of the CCDC114 protein (p.Ala183Thr). The alanine residue is weakly conserved and there is a small physicochemical difference between alanine and threonine. This variant is present in population databases (rs773209379, ExAC 0.01%). This variant has not been reported in the literature in individuals affected with CCDC114-related conditions. Algorithms developed to predict the effect of missense changes on protein structure and function output the following: SIFT: "Tolerated"; PolyPhen-2: "Benign"; Align-GVGD: "Class C0". The threonine amino acid residue is found in multiple mammalian species, which suggests that this missense change does not adversely affect protein function. In summary, the available evidence is currently insufficient to determine the role of this variant in disease. Therefore, it has been classified as a Variant of Uncertain Significance.